The following is an entry in ClinVar:

NM_003073.5(SMARCB1):c.987-12C>G

Gene: SMARCB1 (SWI/SNF related BAF chromatin remodeling complex subunit B1; plus strand). Cytogenetic location: 22q11.23.
Variant type: single nucleotide variant.
Coding change: c.987-12C>G on transcript NM_003073.5 (MANE Select); 12 bases into the intron before coding-DNA position 987, C replaced by G.
Molecular consequence: intron variant.
Genome position (GRCh38, 1-based): chr22:23,833,560, C>G. VCF-style: chr22-23833560-C-G. GRCh37 (hg19) VCF-style: chr22-24175747-C-G.
Other names: c.1041-12C>G (NM_001362877.2); c.1014-12C>G (NM_001317946.2); c.960-12C>G (NM_001007468.3).
Identifiers: ClinVar variation 2699131 (VCV002699131.3), dbSNP rs2146041457, ClinGen allele CA2697552585.

ClinVar aggregate classification (germline): Uncertain significance (1 of 4 stars; one submission).

Submission:

Labcorp Genetics (formerly Invitae), Labcorp
Classification: Uncertain significance. Last evaluated: 2023-06-09. Review status: criteria provided, single submitter. Criteria: Invitae Variant Classification Sherloc (09022015). Collection method: clinical testing. Allele origin: germline.
Comment: In summary, the available evidence is currently insufficient to determine the role of this variant in disease. Therefore, it has been classified as a Variant of Uncertain Significance. Algorithms developed to predict the effect of sequence changes on RNA splicing suggest that this variant may create or strengthen a splice site. This variant has not been reported in the literature in individuals affected with SMARCB1-related conditions. This variant is not present in population databases (gnomAD no frequency). This sequence change falls in intron 7 of the SMARCB1 gene. It does not directly change the encoded amino acid sequence of the SMARCB1 protein.